The following is an entry in ClinVar:

ClinVar aggregate classification (germline): Likely benign. Review status: criteria provided, multiple submitters, no conflicts (2 of 4 stars). 5 submissions from 5 submitters: Likely benign (5). Last evaluated 2026-01-18.

Conditions:
Hereditary cancer-predisposing syndrome. Also called: Neoplastic Syndromes, Hereditary; Hereditary neoplastic syndrome; Tumor predisposition; Hereditary Cancer Syndrome. Identifiers: Orphanet 140162, MedGen C0027672, MeSH D009386, MONDO:0015356.
Juvenile polyposis syndrome (JPS). Identifiers: Orphanet 2929, MedGen C0345893, MONDO:0017380, OMIM 174900.

Allele frequency attached by ClinVar (database versions not stated): gnomAD 0.00001; gnomAD exomes 0.00001; TOPMed 0.00002.
gnomAD v4.1: 9 of 1,601,522 alleles (0.00056%); highest among the groups gnomAD compares: Non-Finnish European, 0.00077%; no homozygotes.

Submissions (5):

Labcorp Genetics (formerly Invitae), Labcorp
Classification: Likely benign for Juvenile polyposis syndrome. Last evaluated: 2026-01-18. Review status: criteria provided, single submitter. Criteria: Invitae Variant Classification Sherloc (09022015). Collection method: clinical testing. Allele origin: germline.

Women's Health and Genetics/Laboratory Corporation of America, LabCorp
Classification: Likely benign. Last evaluated: 2024-08-27. Review status: criteria provided, single submitter. Criteria: LabCorp Variant Classification Summary - May 2015. Collection method: clinical testing. Allele origin: germline.

Blueprint Genetics
Classification: Likely benign. Last evaluated: 2024-02-20. Review status: criteria provided, single submitter. Criteria: ACMG Guidelines, 2015. Collection method: clinical testing. Allele origin: germline.

Color Diagnostics, LLC DBA Color Health
Classification: Likely benign for Hereditary cancer-predisposing syndrome. Last evaluated: 2018-06-11. Review status: criteria provided, single submitter. Criteria: ACMG Guidelines, 2015. Collection method: clinical testing. Allele origin: germline.

GeneDx
Classification: Likely benign. Last evaluated: 2017-12-11. Review status: criteria provided, single submitter. Criteria: GeneDx Variant Classification (06012015). Collection method: clinical testing. Allele origin: germline. Affected: yes.
Comment: This variant is considered likely benign or benign based on one or more of the following criteria: it is a conservative change, it occurs at a poorly conserved position in the protein, it is predicted to be benign by multiple in silico algorithms, and/or has population frequency not consistent with disease.

NM_005359.6(SMAD4):c.424+19C>A

Gene: SMAD4 (SMAD family member 4; plus strand). Cytogenetic location: 18q21.2.
Variant type: single nucleotide variant.
Coding change: c.424+19C>A on transcript NM_005359.6 (MANE Select); 19 bases into the intron after coding-DNA position 424, C replaced by A.
Molecular consequence: intron variant.
Genome position (GRCh38, 1-based): chr18:51,048,879, C>A. VCF-style: chr18-51048879-C-A. GRCh37 (hg19) VCF-style: chr18-48575249-C-A.
Identifiers: ClinVar variation 516997 (VCV000516997.13), dbSNP rs1004249434, ClinGen allele CA300081989.